The following is an entry in ClinVar:

ClinVar aggregate classification (germline): Likely benign (3 of 4 stars; one submission).

Conditions:
Breast-ovarian cancer, familial, susceptibility to, 2 (BROVCA2). Also called: BRCA2 Hereditary Breast and Ovarian Cancer. Identifiers: Orphanet 145, MedGen C2675520, MONDO:0012933, OMIM 612555. Disease mechanism: loss of function.

Allele frequency attached by ClinVar (database versions not stated): ExAC 0.00003.

Submission:

Evidence-based Network for the Interpretation of Germline Mutant Alleles (ENIGMA)
Classification: Likely benign for Breast-ovarian cancer, familial, susceptibility to, 2. Last evaluated: 2017-06-29. Review status: reviewed by expert panel. Criteria: ENIGMA BRCA1/2 Classification Criteria (2017-06-29). Collection method: curation. Allele origin: germline.
Comment: Synonymous substitution variant, with low bioinformatic likelihood to result in a splicing aberration (Splicing prior probability 0.02).

NM_000059.4(BRCA2):c.1500T>G (p.Gly500=)

Gene: BRCA2 (BRCA2 DNA repair associated; plus strand). Cytogenetic location: 13q13.1.
Variant type: single nucleotide variant.
Coding change: c.1500T>G on transcript NM_000059.4 (MANE Select); coding-DNA position 1500, T replaced by G.
Protein change: p.Gly500=; no amino-acid change (glycine 500 retained).
Molecular consequence: synonymous variant.
Genome position (GRCh38, 1-based): chr13:32,332,978, T>G. VCF-style: chr13-32332978-T-G. GRCh37 (hg19) VCF-style: chr13-32907115-T-G.
Identifiers: ClinVar variation 427524 (VCV000427524.3), dbSNP rs781722399, ClinGen allele CA6940523.